The following is an entry in ClinVar:

NM_001354712.2(THRB):c.*4975G>C

Gene: THRB (thyroid hormone receptor beta; minus strand). Cytogenetic location: 3p24.2.
Variant type: single nucleotide variant.
Coding change: c.*4975G>C on transcript NM_001354712.2 (MANE Select); 4975 bases downstream of the stop codon, G replaced by C.
Molecular consequence: 3 prime UTR variant.
Genome position (GRCh38, 1-based): chr3:24,117,909, C>G on the plus strand (G>C on the coding strand, the complement: THRB is on the minus strand). VCF-style: chr3-24117909-C-G. GRCh37 (hg19) VCF-style: chr3-24159400-C-G.
Other names: c.*4975G>C (NM_000461.5, NM_001128176.3, NM_001128177.2 and 8 more transcripts).
Identifiers: ClinVar variation 344546 (VCV000344546.5), dbSNP rs146338850, ClinGen allele CA10617926.

ClinVar aggregate classification (germline): Benign (1 of 4 stars; one submission).

Conditions:
Thyroid hormone resistance, generalized, autosomal dominant (GRTHD). Also called: HYPERTHYROXINEMIA, FAMILIAL EUTHYROID, SECONDARY TO PITUITARY AND PERIPHERAL RESISTANCE TO THYROID HORMONES. Identifiers: MedGen C2937288, MONDO:0008569, OMIM 188570.

Allele frequency attached by ClinVar (database versions not stated): 1000 Genomes Project 0.00499; 1000 Genomes Project 30x 0.00515; gnomAD 0.00591 and 0.00638; TOPMed 0.00649.

Submission:

Illumina Laboratory Services, Illumina
Classification: Benign for Thyroid hormone resistance, generalized, autosomal dominant. Last evaluated: 2018-01-13. Review status: criteria provided, single submitter. Criteria: ICSL Variant Classification Criteria 13 December 2019. Collection method: clinical testing. Allele origin: germline.
Comment: This variant was observed in the ICSL laboratory as part of a predisposition screen in an ostensibly healthy population. It had not been previously curated by ICSL or reported in the Human Gene Mutation Database (HGMD: prior to June 1st, 2018), and was therefore a candidate for classification through an automated scoring system. Utilizing variant allele frequency, disease prevalence and penetrance estimates, and inheritance mode, an automated score was calculated to assess if this variant is too frequent to cause the disease. Based on the score and internal cut-off values, a variant classified as benign is not then subjected to further curation. The score for this variant resulted in a classification of benign for this disease.